The following is an entry in ClinVar:

ClinVar aggregate classification (germline): Benign/Likely benign. Review status: criteria provided, multiple submitters, no conflicts (2 of 4 stars). 10 submissions from 10 submitters: Benign (3); Likely benign (4). 3 of the submissions do not count toward it. Last evaluated 2026-09-01.

Conditions:
MLC1-related disorder. Also called: MLC1-related condition.
Megalencephalic leukoencephalopathy with subcortical cysts. Also called: VAN DER KNAAP DISEASE. Identifiers: Orphanet 2478, MedGen C1858854, MONDO:0011391.
Megalencephalic leukoencephalopathy with subcortical cysts 1 (MLC1). Also called: VACUOLATING MEGALENCEPHALIC LEUKOENCEPHALOPATHY WITH SUBCORTICAL CYSTS; LEUKOENCEPHALOPATHY WITH SWELLING AND CYSTS. Identifiers: Orphanet 2478, MedGen C5779875, MONDO:0024555, OMIM 604004.

Allele frequency attached by ClinVar (database versions not stated): 1000 Genomes Project 0.00220; ESP Exome Variant Server 0.00315; 1000 Genomes Project 30x 0.00203; TOPMed 0.00256.

Submissions (10):

CeGaT Center for Human Genetics Tuebingen
Classification: Likely benign. Last evaluated: 2026-09-01. Review status: criteria provided, single submitter. Criteria: CeGaT Center For Human Genetics Tuebingen Variant Classification Criteria Version 2. Collection method: clinical testing. Allele origin: germline. Affected: yes. Observed: 18 variant alleles.
Comment: MLC1: PP3, BS2

Labcorp Genetics (formerly Invitae), Labcorp
Classification: Benign. Last evaluated: 2026-02-04. Review status: criteria provided, single submitter. Criteria: Invitae Variant Classification Sherloc (09022015). Collection method: clinical testing. Allele origin: germline.

Blueprint Genetics
Classification: Likely benign. Last evaluated: 2024-11-28. Review status: criteria provided, single submitter. Criteria: ACMG Guidelines, 2015. Collection method: clinical testing. Allele origin: germline.

Mayo Clinic Laboratories, Mayo Clinic
Classification: Benign. Last evaluated: 2023-10-26. Review status: criteria provided, single submitter. Criteria: ACMG Guidelines, 2015. Collection method: clinical testing. Allele origin: germline. Observed: 7 variant alleles.
Comment: BS1, BS2

Eurofins Ntd Llc (ga)
Classification: Likely benign. Last evaluated: 2018-06-28. Review status: criteria provided, single submitter. Criteria: EGL ClinVar v180209 classification definitions. Collection method: clinical testing. Allele origin: germline. Observed: 1 variant allele, 1 heterozygote.

Illumina Laboratory Services, Illumina
Classification: Benign for Megalencephalic leukoencephalopathy with subcortical cysts 1. Last evaluated: 2017-04-27. Review status: criteria provided, single submitter. Criteria: ICSL Variant Classification Criteria 13 December 2019. Collection method: clinical testing. Allele origin: germline.
Comment: This variant was observed as part of a predisposition screen in an ostensibly healthy population. A literature search was performed for the gene, cDNA change, and amino acid change (where applicable). Publications were found based on this search. The evidence from the literature, in combination with allele frequency data from public databases where available, was sufficient to rule this variant out of causing disease. Therefore, this variant is classified as benign.

Breakthrough Genomics
Classification: Likely benign. Review status: criteria provided, single submitter. Criteria: ACMG Guidelines, 2015. Collection method: not provided. Allele origin: germline. Inheritance: Autosomal recessive inheritance. Affected: yes.

Natera, Inc.
Classification: Likely benign for Megalencephalic leukoencephalopathy with subcortical cysts. Last evaluated: 2019-12-09. Review status: no assertion criteria provided. Collection method: clinical testing. Allele origin: germline. Not counted in ClinVar's aggregate classification.

PreventionGenetics, part of Exact Sciences
Classification: Likely benign for MLC1-related condition. Last evaluated: 2019-06-17. Review status: no assertion criteria provided. Collection method: clinical testing. Allele origin: germline. Not counted in ClinVar's aggregate classification.
Comment: This variant is classified as likely benign based on ACMG/AMP sequence variant interpretation guidelines (Richards et al. 2015 PMID: 25741868, with internal and published modifications).

Counsyl
Classification: Likely benign for Megalencephalic leukoencephalopathy with subcortical cysts 1. Last evaluated: 2014-04-16. Review status: no assertion criteria provided. Collection method: literature only. Allele origin: unknown. Inheritance: Autosomal recessive inheritance. Not counted in ClinVar's aggregate classification.

Literature cited by the submitters: PubMed 16652334 (cited by Illumina Laboratory Services, Illumina); PubMed 12497630 (cited by Illumina Laboratory Services, Illumina and Counsyl).

NM_015166.4(MLC1):c.654C>A (p.Asn218Lys)

Gene: MLC1 (modulator of VRAC current 1; minus strand). Cytogenetic location: 22q13.33.
Variant type: single nucleotide variant.
Coding change: c.654C>A on transcript NM_015166.4 (MANE Select); coding-DNA position 654, C replaced by A.
Protein change: p.Asn218Lys; replaces asparagine 218 with lysine.
Molecular consequence: missense variant. On other transcripts: non-coding transcript variant (3).
Genome position (GRCh38, 1-based): chr22:50,074,276, G>T on the plus strand (C>A on the coding strand, the complement: MLC1 is on the minus strand). VCF-style: chr22-50074276-G-T. GRCh37 (hg19) VCF-style: chr22-50512705-G-T.
Other names: p.Asn218Lys; c.654C>A, p.Asn218Lys (NM_001376472.1, NM_001376473.1, NM_001376474.1 and 6 more transcripts); c.564C>A, p.Asn188Lys (NM_001376480.1); c.552C>A, p.Asn184Lys (NM_001376481.1); c.498C>A, p.Asn166Lys (NM_001376482.1, NM_001376483.1); c.417C>A, p.Asn139Lys (NM_001376484.1); short protein forms N218K, N139K, N166K, N184K, N188K.
Identifiers: ClinVar variation 21525 (VCV000021525.68), dbSNP rs41302601, ClinGen allele CA342172.